The following is an entry in ClinVar:

ClinVar aggregate classification (germline): Benign (1 of 4 stars; one submission).

Allele frequency attached by ClinVar (database versions not stated): gnomAD exomes 0.00568; gnomAD 0.04472 and 0.04782; 1000 Genomes Project 0.04952; TOPMed 0.05005; 1000 Genomes Project 30x 0.05278.
gnomAD v4.1: 10,665 of 795,538 alleles (1.3%); highest among the groups gnomAD compares: African/African-American, 15%; 711 homozygotes.

Submission:

GeneDx
Classification: Benign. Last evaluated: 2018-06-14. Review status: criteria provided, single submitter. Criteria: GeneDx Variant Classification (06012015). Collection method: clinical testing. Allele origin: germline. Affected: yes.
Comment: This variant is considered likely benign or benign based on one or more of the following criteria: it is a conservative change, it occurs at a poorly conserved position in the protein, it is predicted to be benign by multiple in silico algorithms, and/or has population frequency not consistent with disease.

NM_017827.4(SARS2):c.363+130G>A

Gene: SARS2 (seryl-tRNA synthetase 2, mitochondrial; minus strand). Cytogenetic location: 19q13.2.
Variant type: single nucleotide variant.
Coding change: c.363+130G>A on transcript NM_017827.4 (MANE Select); 130 bases into the intron after coding-DNA position 363, G replaced by A.
Molecular consequence: intron variant.
Genome position (GRCh38, 1-based): chr19:38,926,075, C>T on the plus strand (G>A on the coding strand, the complement: SARS2 is on the minus strand). VCF-style: chr19-38926075-C-T. GRCh37 (hg19) VCF-style: chr19-39416715-C-T.
Other names: c.363+130G>A (NM_001145901.2).
Identifiers: ClinVar variation 676833 (VCV000676833.1), dbSNP rs112422782, ClinGen allele CA308148635.